The following is an entry in ClinVar:

ClinVar aggregate classification (germline): Uncertain significance (1 of 4 stars; one submission).

gnomAD v4.1: 2 of 1,614,020 alleles (0.00012%); highest among the groups gnomAD compares: African/African-American, 0.0027%; no homozygotes.

Submission:

Women's Health and Genetics/Laboratory Corporation of America, LabCorp
Classification: Uncertain significance. Last evaluated: 2026-05-20. Review status: criteria provided, single submitter. Criteria: LabCorp Variant Classification Summary - May 2015. Collection method: clinical testing. Allele origin: germline.
Comment: Variant summary: EP300 c.1524C>G (p.Asn508Lys) results in a non-conservative amino acid change in the encoded protein sequence. Algorithms developed to predict the effect of missense changes on protein structure and function are either unavailable or do not agree on the potential impact of this missense change. The variant was absent in 250844 control chromosomes. The available data on variant occurrences in the general population are insufficient to allow any conclusion about variant significance. To our knowledge, no occurrence of c.1524C>G in individuals affected with EP300-related conditions and no experimental evidence demonstrating its impact on protein function have been reported. No submitters have cited clinical-significance assessments for this variant to ClinVar. Based on the evidence outlined above, the variant was classified as uncertain significance.

NM_001429.4(EP300):c.1524C>G (p.Asn508Lys)

Gene: EP300 (EP300 lysine acetyltransferase; plus strand). Cytogenetic location: 22q13.2.
Variant type: single nucleotide variant.
Coding change: c.1524C>G on transcript NM_001429.4 (MANE Select); coding-DNA position 1524, C replaced by G.
Protein change: p.Asn508Lys; replaces asparagine 508 with lysine.
Molecular consequence: missense variant.
Genome position (GRCh38, 1-based): chr22:41,131,629, C>G. VCF-style: chr22-41131629-C-G. GRCh37 (hg19) VCF-style: chr22-41527633-C-G.
Other names: c.1524C>G, p.Asn508Lys (NM_001362843.2); short protein forms N508K.
Identifiers: ClinVar variation 4853771 (VCV004853771.1).